The following is an entry in ClinVar:

NM_001349338.3(FOXP1):c.1541G>A (p.Arg514His)

Gene: FOXP1 (forkhead box P1; minus strand). Cytogenetic location: 3p13.
Variant type: single nucleotide variant.
Coding change: c.1541G>A on transcript NM_001349338.3 (MANE Select); coding-DNA position 1541, G replaced by A.
Protein change: p.Arg514His; replaces arginine 514 with histidine.
Molecular consequence: missense variant. On other transcripts: non-coding transcript variant (2), intron variant (1).
Genome position (GRCh38, 1-based): chr3:70,972,666, C>T on the plus strand (G>A on the coding strand, the complement: FOXP1 is on the minus strand). VCF-style: chr3-70972666-C-T. GRCh37 (hg19) VCF-style: chr3-71021817-C-T.
Other names: c.1538G>A, p.Arg513His (NM_001244808.3, NM_001349341.3); c.1313G>A, p.Arg438His (NM_001244812.3); c.1241G>A, p.Arg414His (NM_001244813.3, NM_001244815.2, NM_001349342.3); c.1541G>A, p.Arg514His (NM_001244814.3, NM_001244816.2, NM_001349340.3 and 1 more transcripts); c.1238G>A, p.Arg413His (NM_001349337.2, NM_001349343.3, NM_001349344.3 and 1 more transcripts); c.1531-486G>A (NM_001244810.2); short protein forms R514H, R413H, R513H, R414H, R438H.
Identifiers: ClinVar variation 211040 (VCV000211040.71), dbSNP rs797045586, ClinGen allele CA319719.

ClinVar aggregate classification (germline): Pathogenic/Likely pathogenic. Review status: criteria provided, multiple submitters, no conflicts (2 of 4 stars). 18 submissions from 18 submitters: Pathogenic (13); Likely pathogenic (3). 2 of the submissions do not count toward it. Last evaluated 2026-01-12.

Conditions:
Intellectual disability-severe speech delay-mild dysmorphism syndrome (IDDLA). Also called: Mental retardation with language impairment and autistic features; Intellectual developmental disorder with language impairment AND with or without autistic features; FOXP1 Syndrome. Identifiers: Orphanet 391372, MedGen C4013764, MONDO:0013352, OMIM 613670.
Intellectual disability. Also called: Intellectual functioning disability; intellectual disabilities; Intellectual developmental disorder. Identifiers: MedGen C3714756, MeSH D008607, MONDO:0001071, HP:0001249.
FOXP1-related disorders.
Inborn genetic diseases. Identifiers: MedGen C0950123, MeSH D030342.

Submissions 1 to 10 of 18:

3billion
Classification: Pathogenic for Intellectual disability-severe speech delay-mild dysmorphism syndrome. Last evaluated: 2026-01-12. Review status: criteria provided, single submitter. Criteria: ACMG Guidelines, 2015. Collection method: clinical testing. Allele origin: germline. Affected: yes.
Comment: The variant is observed at an extremely low frequency in the gnomAD v4.1.0 dataset (total allele frequency: <0.001%). Predicted Consequence/Location: Missense variant Functional studies provide strong evidence of the variant having a damaging effect on the gene or gene product (PMID: 28741757). In silico tool predictions suggest damaging effect of the variant on gene or gene product [REVEL: 0.94 (>=0.6, sensitivity 0.68 and specificity 0.92); 3Cnet: 0.99 (> 0.75, sensitivity 0.96 and precision 0.92)]. The same nucleotide change resulting in the same amino acid change has been previously reported as pathogenic/likely pathogenic with strong evidence (ClinVar ID: VCV000211040 /PMID: 26633542 /3billion dataset). The variant has been previously reported as de novo in a similarly affected individual (PMID: 28741757). The variant has been observed in at least two similarly affected unrelated individuals (PMID: 28741757). Different missense changes at the same codon (p.Arg514Cys, p.Arg514Pro) have been reported as pathogenic/likely pathogenic with strong evidence (ClinVar ID: VCV000217265, VCV000975881 /PMID: 26647308, 34588003 /3billion dataset). Therefore, this variant is classified as Pathogenic according to the recommendation of ACMG/AMP guideline.

Victorian Clinical Genetics Services, Murdoch Childrens Research Institute
Classification: Pathogenic for Intellectual disability-severe speech delay-mild dysmorphism syndrome. Last evaluated: 2025-09-07. Review status: criteria provided, single submitter. Criteria: ACMG Guidelines, 2015. Collection method: clinical testing. Allele origin: germline. Affected: yes.
Comment: This variant is classified as Pathogenic. Evidence in support of pathogenic classification: Variant is absent from gnomAD (v2, v3 and v4); This variant has strong previous evidence of pathogenicity in unrelated individuals. This variant has been classified as pathogenic or likely pathogenic by multiple clinical laboratories in ClinVar, and reported in the literature as de novo in at least one individual with global developmental delay (PMID: 34109629); Variant is located in a hotspot region or cluster of PATHOGENIC variants (DECIPHER); Additional information: Variant is predicted to result in a missense amino acid change from Arg to His; This variant is heterozygous; This gene is associated with autosomal dominant disease; Loss of function is a known mechanism of disease in this gene and is associated with intellectual developmental disorder with language impairment with or without autistic features (MIM#613670).

Labcorp Genetics (formerly Invitae), Labcorp
Classification: Pathogenic. Last evaluated: 2025-05-30. Review status: criteria provided, single submitter. Criteria: Invitae Variant Classification Sherloc (09022015). Collection method: clinical testing. Allele origin: germline.
Comment: This sequence change replaces arginine, which is basic and polar, with histidine, which is basic and polar, at codon 514 of the FOXP1 protein (p.Arg514His). This variant is not present in population databases (gnomAD no frequency). This missense change has been observed in individual(s) with clinical features of FOXP1-related conditions (PMID: 26633542, 28714951, 28741757, 31618753). In at least one individual the variant was observed to be de novo. ClinVar contains an entry for this variant (Variation ID: 211040). Invitae Evidence Modeling of protein sequence and biophysical properties (such as structural, functional, and spatial information, amino acid conservation, physicochemical variation, residue mobility, and thermodynamic stability) indicates that this missense variant is expected to disrupt FOXP1 protein function with a positive predictive value of 80%. Experimental studies have shown that this missense change affects FOXP1 function (PMID: 28741757). For these reasons, this variant has been classified as Pathogenic.

Variantyx, Inc.
Classification: Pathogenic for Intellectual disability-severe speech delay-mild dysmorphism syndrome. Last evaluated: 2025-03-24. Review status: criteria provided, single submitter. Criteria: Variantyx Assertion Criteria 2022. Collection method: clinical testing. Allele origin: de novo. Affected: yes.
Comment: This is a nonsynonymous variant in the FOXP1 gene (OMIM: 605515). Pathogenic variants in this gene have been associated with autosomal dominant intellectual developmental disorder with language impairment with or without autistic features. This variant has been reported in at least 5 unrelated affected individual(s) (PMID: 28741757, 31618753, 31981491, 28714951) (PS4_Moderate). Functional studies have shown that this variant alters FOXP1 protein function (PMID: 28741757) (PS3_Moderate). An alternate amino acid change at this position (p.Arg514Cys) has been previously reported in similarly affected individuals, which suggests that this residue is biologically important (PMID: 26647308, 34109629) (PM5). Multiple computational algorithms predict a deleterious effect for this variant (REVEL score: 0.943) (PP3_Moderate). This variant has a 0.0001% maximum allele frequency in non-founder control populations (PM2_Supporting). Based on the current evidence, this variant is classified as pathogenic for autosomal dominant intellectual developmental disorder with language impairment with or without autistic features.

Ambry Genetics
Classification: Pathogenic for Inborn genetic diseases. Last evaluated: 2024-12-06. Review status: criteria provided, single submitter. Criteria: Ambry Variant Classification Scheme 2023. Collection method: clinical testing. Allele origin: germline.
Comment: The c.1541G>A (p.R514H) alteration is located in exon 18 (coding exon 13) of the FOXP1 gene. This alteration results from a G to A substitution at nucleotide position 1541, causing the arginine (R) at amino acid position 514 to be replaced by a histidine (H). This variant was not reported in population-based cohorts in the Genome Aggregation Database (gnomAD). This variant was determined to be de novo, or the result of gonadal mosaicism, in at least one individual with global developmental delay, intellectual disability, speech/language impairment, and visual symptoms including strabismus, esotropia and hypermetropia (Sollis, 2017; Trelles, 2021; Zsigmond, 2024; Ambry internal data). Other variant(s) at the same codon, c.1541G>C (p.R514P), c.1540C>T (p.R514C), have been identified in individual(s) with features consistent with features consistent with FOXP1-related neurodevelopmental disorder (Braden, 2021; Trelles, 2021). This amino acid position is highly conserved in available vertebrate species. This missense alteration is located in a region that has a low rate of benign missense variation (Lek, 2016; Firth, 2009). This alteration is predicted to be deleterious by in silico analysis. Based on the available evidence, this alteration is classified as pathogenic.

Laboratoire de Génétique Moléculaire, CHU Bordeaux
Classification: Likely pathogenic for Intellectual disability-severe speech delay-mild dysmorphism syndrome. Last evaluated: 2023-05-26. Review status: criteria provided, single submitter. Criteria: ACMG Guidelines, 2015. Collection method: clinical testing. Allele origin: germline. Affected: yes.

Institute for Clinical Genetics, University Hospital TU Dresden, University Hospital TU Dresden
Classification: Pathogenic. Last evaluated: 2023-03-27. Review status: criteria provided, single submitter. Criteria: ACMG Guidelines, 2015. Collection method: clinical testing. Allele origin: germline.
Comment: PM1, PP3, PM5, PS4, PM2_SUP

Blueprint Genetics
Classification: Pathogenic for FOXP1-related disorders. Last evaluated: 2022-11-22. Review status: criteria provided, single submitter. Criteria: ACMG Guidelines, 2015. Collection method: clinical testing. Allele origin: de novo. Affected: yes. Observed: 2 variant alleles.

Revvity Omics, Revvity
Classification: Pathogenic for Intellectual disability-severe speech delay-mild dysmorphism syndrome. Last evaluated: 2022-09-21. Review status: criteria provided, single submitter. Criteria: ACMG Guidelines, 2015. Collection method: clinical testing. Allele origin: germline.

GeneDx
Classification: Pathogenic. Last evaluated: 2022-02-22. Review status: criteria provided, single submitter. Criteria: GeneDx Variant Classification Process June 2021. Collection method: clinical testing. Allele origin: germline. Affected: yes.
Comment: Functional studies of R514H demonstrate abnormal nuclear localization of the protein and abnormal DNA binding (Sollis et al., 2017); Not observed in large population cohorts (gnomAD); In silico analysis supports that this missense variant has a deleterious effect on protein structure/function; This variant is associated with the following publications: (PMID: 26633542, 28741757, 31618753, 28714951, 31981491, 34109629)